The following is an entry in ClinVar:

NM_000552.5(VWF):c.349G>A (p.Gly117Arg)

Gene: VWF (von Willebrand factor; minus strand). Cytogenetic location: 12p13.31.
Variant type: single nucleotide variant.
Coding change: c.349G>A on transcript NM_000552.5 (MANE Select); coding-DNA position 349, G replaced by A.
Protein change: p.Gly117Arg; replaces glycine 117 with arginine.
Molecular consequence: missense variant.
Genome position (GRCh38, 1-based): chr12:6,110,557, C>T on the plus strand (G>A on the coding strand, the complement: VWF is on the minus strand). VCF-style: chr12-6110557-C-T. GRCh37 (hg19) VCF-style: chr12-6219723-C-T.
Other names: short protein forms G117R.
Identifiers: ClinVar variation 3189442 (VCV003189442.3), dbSNP rs748190942, ClinGen allele CA6403818.

ClinVar aggregate classification (germline): Uncertain significance. Review status: criteria provided, multiple submitters, no conflicts (2 of 4 stars). 2 submissions from 2 submitters: Uncertain significance (2). Last evaluated 2026-05-28.

Conditions:
Inborn genetic diseases. Identifiers: MedGen C0950123, MeSH D030342.

Allele frequency attached by ClinVar (database versions not stated): ExAC 0.00002; gnomAD 0.00009; TOPMed 0.00007.
gnomAD v4.1: 106 of 1,614,168 alleles (0.0066%); highest among the groups gnomAD compares: African/African-American, 0.011%; no homozygotes.

Submissions (2):

Ambry Genetics
Classification: Uncertain significance for Inborn genetic diseases. Last evaluated: 2026-05-28. Review status: criteria provided, single submitter. Criteria: Ambry Variant Classification Scheme 2023. Collection method: clinical testing. Allele origin: germline.

Women's Health and Genetics/Laboratory Corporation of America, LabCorp
Classification: Uncertain significance. Last evaluated: 2024-09-13. Review status: criteria provided, single submitter. Criteria: LabCorp Variant Classification Summary - May 2015. Collection method: clinical testing. Allele origin: germline.
Comment: Variant summary: VWF c.349G>A (p.Gly117Arg) results in a non-conservative amino acid change located in the von Willebrand factor, type D domain (IPR001846) of the encoded protein sequence. Five of five in-silico tools predict a damaging effect of the variant on protein function. The variant allele was found at a frequency of 3.2e-05 in 251492 control chromosomes. The available data on variant occurrences in the general population are insufficient to allow any conclusion about variant significance. To our knowledge, no occurrence of c.349G>A in individuals affected with Von Willebrand Disease and no experimental evidence demonstrating its impact on protein function have been reported. ClinVar contains an entry for this variant (Variation ID: 3189442). Based on the evidence outlined above, the variant was classified as uncertain significance.